The following is an entry in ClinVar:

ClinVar aggregate classification (germline): Uncertain significance. Review status: criteria provided, multiple submitters, no conflicts (2 of 4 stars). 2 submissions from 2 submitters: Uncertain significance (2). Last evaluated 2024-12-30.

Conditions:
Hereditary cancer-predisposing syndrome. Also called: Hereditary neoplastic syndrome; Hereditary Cancer Syndrome; Neoplastic Syndromes, Hereditary; Tumor predisposition. Identifiers: Orphanet 140162, MedGen C0027672, MeSH D009386, MONDO:0015356.
Familial cancer of breast. Also called: Hereditary breast cancer; BREAST CANCER, FAMILIAL; hereditary breast carcinoma. Identifiers: Orphanet 227535, MedGen C0346153, MONDO:0016419, OMIM 114480. Disease mechanism: loss of function.

gnomAD v4.1: 12 of 1,612,926 alleles (0.00074%); highest among the groups gnomAD compares: Non-Finnish European, 0.00076%; no homozygotes.

Submissions (2):

Labcorp Genetics (formerly Invitae), Labcorp
Classification: Uncertain significance for Familial cancer of breast. Last evaluated: 2024-12-30. Review status: criteria provided, single submitter. Criteria: Invitae Variant Classification Sherloc (09022015). Collection method: clinical testing. Allele origin: germline.
Comment: This sequence change replaces asparagine, which is neutral and polar, with lysine, which is basic and polar, at codon 98 of the BARD1 protein (p.Asn98Lys). This variant is not present in population databases (gnomAD no frequency). This variant has not been reported in the literature in individuals affected with BARD1-related conditions. ClinVar contains an entry for this variant (Variation ID: 229715). An algorithm developed to predict the effect of missense changes on protein structure and function (PolyPhen-2) suggests that this variant is likely to be disruptive. In summary, the available evidence is currently insufficient to determine the role of this variant in disease. Therefore, it has been classified as a Variant of Uncertain Significance.

Ambry Genetics
Classification: Uncertain significance for Hereditary cancer-predisposing syndrome. Last evaluated: 2024-08-17. Review status: criteria provided, single submitter. Criteria: Ambry Variant Classification Scheme 2023. Collection method: clinical testing. Allele origin: germline.
Comment: The p.N98K variant (also known as c.294T>A), located in coding exon 3 of the BARD1 gene, results from a T to A substitution at nucleotide position 294. The asparagine at codon 98 is replaced by lysine, an amino acid with similar properties. This amino acid position is highly conserved in available vertebrate species. In addition, this alteration is predicted to be tolerated by in silico analysis. Since supporting evidence is limited at this time, the clinical significance of this alteration remains unclear.

NM_000465.4(BARD1):c.294T>A (p.Asn98Lys)

Gene: BARD1 (BRCA1 associated RING domain 1; minus strand). Cytogenetic location: 2q35.
Variant type: single nucleotide variant.
Coding change: c.294T>A on transcript NM_000465.4 (MANE Select); coding-DNA position 294, T replaced by A.
Protein change: p.Asn98Lys; replaces asparagine 98 with lysine.
Molecular consequence: missense variant. On other transcripts: non-coding transcript variant (1), intron variant (2).
Genome position (GRCh38, 1-based): chr2:214,792,367, A>T on the plus strand (T>A on the coding strand, the complement: BARD1 is on the minus strand). VCF-style: chr2-214792367-A-T. GRCh37 (hg19) VCF-style: chr2-215657091-A-T.
Other names: c.237T>A, p.Asn79Lys (NM_001282543.2); c.294T>A, p.Asn98Lys (NM_001282549.2); c.158+17045T>A (NM_001282548.2); c.215+4694T>A (NM_001282545.2); short protein forms N98K, N79K.
Identifiers: ClinVar variation 229715 (VCV000229715.14), dbSNP rs201798163, ClinGen allele CA10577852.